The following is an entry in ClinVar:

ClinVar aggregate classification (germline): Pathogenic (1 of 4 stars; one submission).

Conditions:
Developmental and epileptic encephalopathy, 9 (DEE9). Also called: EPILEPSY, FEMALE-RESTRICTED, WITH MENTAL RETARDATION; Early infantile epileptic encephalopathy 9; JUBERG-HELLMAN SYNDROME; PCDH19-Related X-Linked Female-Limited Epilepsy with Mental Retardation. Identifiers: Orphanet 101039, Orphanet 2076, MedGen C1848137, MONDO:0010246, OMIM 300088. Disease mechanism: loss of function.

Submission:

Labcorp Genetics (formerly Invitae), Labcorp
Classification: Pathogenic for Developmental and epileptic encephalopathy, 9. Last evaluated: 2018-10-15. Review status: criteria provided, single submitter. Criteria: Invitae Variant Classification Sherloc (09022015). Collection method: clinical testing. Allele origin: germline.
Comment: This sequence change creates a premature translational stop signal (p.Tyr516*) in the PCDH19 gene. It is expected to result in an absent or disrupted protein product. This variant is not present in population databases (ExAC no frequency). This variant has not been reported in the literature in individuals with PCDH19-related disease. Loss-of-function variants in PCDH19 are known to be pathogenic (PMID: 21053371). For these reasons, this variant has been classified as Pathogenic.

Literature cited by the submitters: PubMed 21053371 (cited by Labcorp Genetics (formerly Invitae), Labcorp).

NM_001184880.2(PCDH19):c.1548C>A (p.Tyr516Ter)

Gene: PCDH19 (protocadherin 19; minus strand). Cytogenetic location: Xq22.1.
Variant type: single nucleotide variant.
Coding change: c.1548C>A on transcript NM_001184880.2 (MANE Select); coding-DNA position 1548, C replaced by A.
Protein change: p.Tyr516Ter; replaces tyrosine 516 with a stop codon.
Molecular consequence: nonsense.
Genome position (GRCh38, 1-based): chrX:100,407,050, G>T on the plus strand (C>A on the coding strand, the complement: PCDH19 is on the minus strand). VCF-style: chrX-100407050-G-T. GRCh37 (hg19) VCF-style: chrX-99662048-G-T.
Other names: c.1548C>A, p.Tyr516Ter (NM_001105243.2, NM_020766.3); short protein forms Y516*.
Identifiers: ClinVar variation 651548 (VCV000651548.4), dbSNP rs587784295, ClinGen allele CA414002485.